The following is an entry in ClinVar:

NM_032638.5(GATA2):c.400C>A (p.Pro134Thr)

Gene: GATA2 (GATA binding protein 2; minus strand). Cytogenetic location: 3q21.3.
Variant type: single nucleotide variant.
Coding change: c.400C>A on transcript NM_032638.5 (MANE Select); coding-DNA position 400, C replaced by A.
Protein change: p.Pro134Thr; replaces proline 134 with threonine.
Molecular consequence: missense variant.
Genome position (GRCh38, 1-based): chr3:128,486,198, G>T on the plus strand (C>A on the coding strand, the complement: GATA2 is on the minus strand). VCF-style: chr3-128486198-G-T. GRCh37 (hg19) VCF-style: chr3-128205041-G-T.
Other names: c.400C>A, p.Pro134Thr (NM_001145661.2, NM_001145662.1); short protein forms P134T.
Identifiers: ClinVar variation 1367721 (VCV001367721.8), dbSNP rs2068696903, ClinGen allele CA354406919.

ClinVar aggregate classification (germline): Uncertain significance (1 of 4 stars; one submission).

Conditions:
Deafness-lymphedema-leukemia syndrome. Also called: Emberger syndrome; Lymphedema, primary, with myelodysplasia. Identifiers: Orphanet 3226, MedGen C3279664, MONDO:0013540, OMIM 614038.
Monocytopenia with susceptibility to infections. Also called: MONOCYTOPENIA AND MYCOBACTERIAL INFECTION SYNDROME; GATA2 DEFICIENCY; IMMUNODEFICIENCY 21; MONOCYTOPENIA WITH SUSCEPTIBILITY TO MYCOBACTERIAL, FUNGAL, AND PAPILLOMAVIRUS INFECTIONS AND MYELODYSPLASIA; COMBINED IMMUNODEFICIENCY WITH SUSCEPTIBILITY TO MYCOBACTERIAL, VIRAL, AND FUNGAL INFECTIONS; Dendritic cell, monocyte, B lymphocyte, and natural killer lymphocyte deficiency. Identifiers: Orphanet 228423, MedGen C3280030, MONDO:0013607, OMIM 614172.

Submission:

Labcorp Genetics (formerly Invitae), Labcorp
Classification: Uncertain significance for Monocytopenia with susceptibility to infections; Deafness-lymphedema-leukemia syndrome. Last evaluated: 2021-07-15. Review status: criteria provided, single submitter. Criteria: Invitae Variant Classification Sherloc (09022015). Collection method: clinical testing. Allele origin: germline.
Comment: In summary, the available evidence is currently insufficient to determine the role of this variant in disease. Therefore, it has been classified as a Variant of Uncertain Significance. Advanced modeling of protein sequence and biophysical properties (such as structural, functional, and spatial information, amino acid conservation, physicochemical variation, residue mobility, and thermodynamic stability) performed at Invitae indicates that this missense variant is not expected to disrupt GATA2 protein function. This variant has not been reported in the literature in individuals affected with GATA2-related conditions. This variant is not present in population databases (ExAC no frequency). This sequence change replaces proline with threonine at codon 134 of the GATA2 protein (p.Pro134Thr). The proline residue is moderately conserved and there is a small physicochemical difference between proline and threonine.